The following is an entry in ClinVar:

NM_006904.7(PRKDC):c.7063A>G (p.Thr2355Ala)

Gene: PRKDC (protein kinase, DNA-activated, catalytic subunit; minus strand). Cytogenetic location: 8q11.21.
Variant type: single nucleotide variant.
Coding change: c.7063A>G on transcript NM_006904.7 (MANE Select); coding-DNA position 7063, A replaced by G.
Protein change: p.Thr2355Ala; replaces threonine 2355 with alanine.
Molecular consequence: missense variant.
Genome position (GRCh38, 1-based): chr8:47,849,446, T>C on the plus strand (A>G on the coding strand, the complement: PRKDC is on the minus strand). VCF-style: chr8-47849446-T-C. GRCh37 (hg19) VCF-style: chr8-48762007-T-C.
Other names: c.7063A>G, p.Thr2355Ala (NM_001081640.2); short protein forms T2355A.
Identifiers: ClinVar variation 858702 (VCV000858702.7), dbSNP rs765234329, ClinGen allele CA4740186.

ClinVar aggregate classification (germline): Uncertain significance (1 of 4 stars; one submission).

Conditions:
Severe combined immunodeficiency due to DNA-PKcs deficiency. Also called: IMMUNODEFICIENCY 26 WITH NEUROLOGIC ABNORMALITIES; Immunodeficiency 26 with or without neurologic abnormalities. Identifiers: Orphanet 317425, MedGen C4014833, MONDO:0014423, OMIM 615966.

Allele frequency attached by ClinVar (database versions not stated): TOPMed 0.00002; gnomAD 0.00003 and 0.00002; gnomAD exomes 0.00003 and 0.00002; ExAC 0.00002.
gnomAD v4.1: 37 of 1,613,942 alleles (0.0023%); highest among the groups gnomAD compares: Admixed American, 0.01%; no homozygotes.

Submission:

Labcorp Genetics (formerly Invitae), Labcorp
Classification: Uncertain significance for Severe combined immunodeficiency due to DNA-PKcs deficiency. Last evaluated: 2022-07-04. Review status: criteria provided, single submitter. Criteria: Invitae Variant Classification Sherloc (09022015). Collection method: clinical testing. Allele origin: germline.
Comment: This sequence change replaces threonine, which is neutral and polar, with alanine, which is neutral and non-polar, at codon 2355 of the PRKDC protein (p.Thr2355Ala). This variant is present in population databases (rs765234329, gnomAD 0.009%). This variant has not been reported in the literature in individuals affected with PRKDC-related conditions. ClinVar contains an entry for this variant (Variation ID: 858702). In summary, the available evidence is currently insufficient to determine the role of this variant in disease. Therefore, it has been classified as a Variant of Uncertain Significance.